The following is an entry in ClinVar:

NM_017866.6(TMEM70):c.677T>C (p.Phe226Ser)

Gene: TMEM70 (transmembrane protein 70; plus strand). Cytogenetic location: 8q21.11.
Variant type: single nucleotide variant.
Coding change: c.677T>C on transcript NM_017866.6 (MANE Select); coding-DNA position 677, T replaced by C.
Protein change: p.Phe226Ser; replaces phenylalanine 226 with serine.
Molecular consequence: missense variant. On other transcripts: 3 prime UTR variant (1), non-coding transcript variant (1).
Genome position (GRCh38, 1-based): chr8:73,981,515, T>C. VCF-style: chr8-73981515-T-C. GRCh37 (hg19) VCF-style: chr8-74893750-T-C.
Other names: c.*367T>C (NM_001040613.3); short protein forms F226S.
Identifiers: ClinVar variation 856002 (VCV000856002.9), dbSNP rs1815798828, ClinGen allele CA371490502.

ClinVar aggregate classification (germline): Uncertain significance (1 of 4 stars; one submission).

Conditions:
Mitochondrial complex V (ATP synthase) deficiency, nuclear type 2. Also called: Nuclear-Encoded ATPase Deficiency, TMEM70-Related; ENCEPHALOCARDIOMYOPATHY, MITOCHONDRIAL, NEONATAL, DUE TO ATP SYNTHASE DEFICIENCY; MITOCHONDRIAL COMPLEX V (ATP SYNTHASE) DEFICIENCY, TMEM70 TYPE. Identifiers: Orphanet 1194, MedGen C3279699, MONDO:0013546, OMIM 614052.

Allele frequency attached by ClinVar (database versions not stated): TOPMed below 0.00001; gnomAD 0.00001.
gnomAD v4.1: 1 of 1,613,926 alleles (0.000062%); highest among the groups gnomAD compares: Admixed American, 0.0017%; no homozygotes.

Submission:

Labcorp Genetics (formerly Invitae), Labcorp
Classification: Uncertain significance for Mitochondrial complex V (ATP synthase) deficiency, nuclear type 2. Last evaluated: 2023-10-13. Review status: criteria provided, single submitter. Criteria: Invitae Variant Classification Sherloc (09022015). Collection method: clinical testing. Allele origin: germline.
Comment: This sequence change replaces phenylalanine, which is neutral and non-polar, with serine, which is neutral and polar, at codon 226 of the TMEM70 protein (p.Phe226Ser). This variant is not present in population databases (gnomAD no frequency). This variant has not been reported in the literature in individuals affected with TMEM70-related conditions. ClinVar contains an entry for this variant (Variation ID: 856002). Advanced modeling of protein sequence and biophysical properties (such as structural, functional, and spatial information, amino acid conservation, physicochemical variation, residue mobility, and thermodynamic stability) performed at Invitae indicates that this missense variant is expected to disrupt TMEM70 protein function. In summary, the available evidence is currently insufficient to determine the role of this variant in disease. Therefore, it has been classified as a Variant of Uncertain Significance.